The following is an entry in ClinVar:

NM_001371623.1(TCOF1):c.3890C>T (p.Thr1297Ile)

Gene: TCOF1 (treacle ribosome biogenesis factor 1; plus strand). Cytogenetic location: 5q32.
Variant type: single nucleotide variant.
Coding change: c.3890C>T on transcript NM_001371623.1 (MANE Select); coding-DNA position 3890, C replaced by T.
Protein change: p.Thr1297Ile; replaces threonine 1297 with isoleucine.
Molecular consequence: missense variant.
Genome position (GRCh38, 1-based): chr5:150,396,387, C>T. VCF-style: chr5-150396387-C-T. GRCh37 (hg19) VCF-style: chr5-149775950-C-T.
Other names: c.3656C>T, p.Thr1219Ile (NM_000356.4); c.3887C>T, p.Thr1296Ile (NM_001135243.2); c.3776C>T, p.Thr1259Ile (NM_001135244.2); c.3659C>T, p.Thr1220Ile (NM_001135245.2); c.3773C>T, p.Thr1258Ile (NM_001195141.2); short protein forms T1219I, T1220I, T1258I, T1259I, T1296I, T1297I.
Identifiers: ClinVar variation 3363622 (VCV003363622.5).

ClinVar aggregate classification (germline): Uncertain significance. Review status: criteria provided, multiple submitters, no conflicts (2 of 4 stars). 5 submissions from 5 submitters: Uncertain significance (5). Last evaluated 2026-01-20.

Conditions:
Inborn genetic diseases. Identifiers: MedGen C0950123, MeSH D030342.
TCOF1-related disorder. Also called: TCOF1-related condition.
Treacher Collins syndrome 1 (TCS1). Also called: TCOF1-Related Treacher Collins Syndrome. Identifiers: Orphanet 861, MedGen CN315775, MONDO:0007944, OMIM 154500.

gnomAD v4.1: 8 of 1,613,912 alleles (0.0005%); highest among the groups gnomAD compares: Admixed American, 0.0017%; no homozygotes.

Submissions (5):

Women's Health and Genetics/Laboratory Corporation of America, LabCorp
Classification: Uncertain significance. Last evaluated: 2026-01-20. Review status: criteria provided, single submitter. Criteria: LabCorp Variant Classification Summary - May 2015. Collection method: clinical testing. Allele origin: germline.
Comment: Variant summary: TCOF1 c.3887C>T (p.Thr1296Ile) results in a non-conservative amino acid change in the encoded protein sequence. Algorithms developed to predict the effect of missense changes on protein structure and function are either unavailable or do not agree on the potential impact of this missense change. The variant allele was found at a frequency of 4e-06 in 251238 control chromosomes. The available data on variant occurrences in the general population are insufficient to allow any conclusion about variant significance. To our knowledge, no occurrence of c.3887C>T in individuals affected with TCOF1-related conditions and no experimental evidence demonstrating its impact on protein function have been reported. ClinVar contains an entry for this variant (Variation ID: 3363622). Based on the evidence outlined above, the variant was classified as uncertain significance.

Labcorp Genetics (formerly Invitae), Labcorp
Classification: Uncertain significance for Treacher Collins syndrome 1. Last evaluated: 2025-10-29. Review status: criteria provided, single submitter. Criteria: Invitae Variant Classification Sherloc (09022015). Collection method: clinical testing. Allele origin: germline.
Comment: This sequence change replaces threonine, which is neutral and polar, with isoleucine, which is neutral and non-polar, at codon 1296 of the TCOF1 protein (p.Thr1296Ile). This variant is present in population databases (no rsID available, gnomAD 0.0009%). This variant has not been reported in the literature in individuals affected with TCOF1-related conditions. This missense change has been observed in at least one individual who was not affected with TCOF1-related conditions (internal data). ClinVar contains an entry for this variant (Variation ID: 3363622). An algorithm developed to predict the effect of missense changes on protein structure and function (PolyPhen-2) suggests that this variant is likely to be tolerated. In summary, the available evidence is currently insufficient to determine the role of this variant in disease. Therefore, it has been classified as a Variant of Uncertain Significance.

Ambry Genetics
Classification: Uncertain significance for Inborn genetic diseases. Last evaluated: 2025-07-14. Review status: criteria provided, single submitter. Criteria: Ambry Variant Classification Scheme 2023. Collection method: clinical testing. Allele origin: germline.

PreventionGenetics, part of Exact Sciences
Classification: Uncertain significance for TCOF1-related condition. Last evaluated: 2025-03-20. Review status: criteria provided, single submitter. Criteria: ACMG Guidelines, 2015. Collection method: clinical testing. Allele origin: germline.
Comment: The TCOF1 c.3887C>T variant is predicted to result in the amino acid substitution p.Thr1296Ile. To our knowledge, this variant has not been reported in the literature. This variant is reported in 0.00088% of alleles in individuals of European (Non-Finnish) descent in gnomAD. At this time, the clinical significance of this variant is uncertain due to the absence of conclusive functional and genetic evidence.

GeneDx
Classification: Uncertain significance. Last evaluated: 2023-11-08. Review status: criteria provided, single submitter. Criteria: GeneDx Variant Classification Process June 2021. Collection method: clinical testing. Allele origin: germline. Affected: yes.
Comment: In silico analysis supports that this missense variant has a deleterious effect on protein structure/function; Has not been previously published as pathogenic or benign to our knowledge